The following is an entry in ClinVar:

ClinVar aggregate classification (germline): Uncertain significance (1 of 4 stars; one submission).

Conditions:
Brugada syndrome. Also called: Sudden Unexplained Nocturnal Death Syndrome (SUNDS); Sudden unexpected nocturnal death syndrome; Sudden unexplained nocturnal death syndrome; Sudden Unexplained Death Syndrome. Identifiers: Orphanet 130, MedGen C1142166, MONDO:0015263.

gnomAD v4.1: 1 of 1,600,568 alleles (0.000062%); highest among the groups gnomAD compares: Non-Finnish European, 0.000085%; no homozygotes.

Submission:

Labcorp Genetics (formerly Invitae), Labcorp
Classification: Uncertain significance for Brugada syndrome. Last evaluated: 2025-09-01. Review status: criteria provided, single submitter. Criteria: Invitae Variant Classification Sherloc (09022015). Collection method: clinical testing. Allele origin: germline.
Comment: This sequence change replaces proline, which is neutral and non-polar, with arginine, which is basic and polar, at codon 1045 of the SCN10A protein (p.Pro1045Arg). This variant is not present in population databases (gnomAD no frequency). This variant has not been reported in the literature in individuals affected with SCN10A-related conditions. ClinVar contains an entry for this variant (Variation ID: 1359668). Invitae Evidence Modeling of protein sequence and biophysical properties (such as structural, functional, and spatial information, amino acid conservation, physicochemical variation, residue mobility, and thermodynamic stability) indicates that this missense variant is not expected to disrupt SCN10A protein function with a negative predictive value of 95%. In summary, the available evidence is currently insufficient to determine the role of this variant in disease. Therefore, it has been classified as a Variant of Uncertain Significance.

NM_006514.4(SCN10A):c.3134C>G (p.Pro1045Arg)

Genes: SCN10A (sodium voltage-gated channel alpha subunit 10; minus strand), LOC110121288 (VISTA enhancer hs2268; plus strand). Cytogenetic location: 3p22.2.
Variant type: single nucleotide variant.
Coding change: c.3134C>G on transcript NM_006514.4 (MANE Select); coding-DNA position 3134, C replaced by G.
Protein change: p.Pro1045Arg; replaces proline 1045 with arginine.
Molecular consequence: missense variant.
Genome position (GRCh38, 1-based): chr3:38,725,268, G>C on the plus strand (C>G on the coding strand, the complement: SCN10A is on the minus strand). VCF-style: chr3-38725268-G-C. GRCh37 (hg19) VCF-style: chr3-38766759-G-C.
Other names: c.3131C>G, p.Pro1044Arg (NM_001293306.2); c.2840C>G, p.Pro947Arg (NM_001293307.2); short protein forms P947R, P1044R, P1045R.
Identifiers: ClinVar variation 1359668 (VCV001359668.8), dbSNP rs2126000012, ClinGen allele CA352156762.
Genomic context (GRCh38, chr3:38,725,268, plus strand): 5'-CACGTCTCACCCAGGGATGGAGCCAGGTCCTCAGAAGATGTTCCAGTGCCTGGGCTCCTG[G>C]GTGTCAGGTGGTCCCCACACCTCTCGACTTGCTGCAGCTGCTCCTGCTAGTGAGAGAGGG-3'
Protein context (NP_006505.4, residues 1035-1055): QVERCGDHLT[Pro1045Arg]RSPGTGTSSE